The following is an entry in ClinVar:

NM_152594.3(SPRED1):c.33-11A>G

Gene: SPRED1 (sprouty related EVH1 domain containing 1; plus strand). Cytogenetic location: 15q14.
Variant type: single nucleotide variant.
Coding change: c.33-11A>G on transcript NM_152594.3 (MANE Select); 11 bases into the intron before coding-DNA position 33, A replaced by G.
Molecular consequence: intron variant.
Genome position (GRCh38, 1-based): chr15:38,299,362, A>G. VCF-style: chr15-38299362-A-G. GRCh37 (hg19) VCF-style: chr15-38591563-A-G.
Identifiers: ClinVar variation 511367 (VCV000511367.6), dbSNP rs775671940, ClinGen allele CA617500607.

ClinVar aggregate classification (germline): Likely benign. Review status: criteria provided, multiple submitters, no conflicts (2 of 4 stars). 2 submissions from 2 submitters: Likely benign (2). Last evaluated 2025-08-13.

Conditions:
Legius syndrome. Identifiers: Orphanet 137605, MedGen C1969623, MONDO:0012669, OMIM 611431. Disease mechanism: loss of function.

Allele frequency attached by ClinVar (database versions not stated): gnomAD 0.00001; TOPMed 0.00001.
gnomAD v4.1: 4 of 1,613,622 alleles (0.00025%); highest among the groups gnomAD compares: Admixed American, 0.0017%; no homozygotes.

Submissions (2):

Labcorp Genetics (formerly Invitae), Labcorp
Classification: Likely benign for Legius syndrome. Last evaluated: 2025-08-13. Review status: criteria provided, single submitter. Criteria: Invitae Variant Classification Sherloc (09022015). Collection method: clinical testing. Allele origin: germline.

GeneDx
Classification: Likely benign. Last evaluated: 2017-08-08. Review status: criteria provided, single submitter. Criteria: GeneDx Variant Classification (06012015). Collection method: clinical testing. Allele origin: germline. Affected: yes.
Comment: This variant is considered likely benign or benign based on one or more of the following criteria: it is a conservative change, it occurs at a poorly conserved position in the protein, it is predicted to be benign by multiple in silico algorithms, and/or has population frequency not consistent with disease.